The following is an entry in ClinVar:

NM_175875.5(SIX5):c.1222G>A (p.Ala408Thr)

Gene: SIX5 (SIX homeobox 5; minus strand). Cytogenetic location: 19q13.32.
Variant type: single nucleotide variant.
Coding change: c.1222G>A on transcript NM_175875.5 (MANE Select); coding-DNA position 1222, G replaced by A.
Protein change: p.Ala408Thr; replaces alanine 408 with threonine.
Molecular consequence: missense variant.
Genome position (GRCh38, 1-based): chr19:45,766,737, C>T on the plus strand (G>A on the coding strand, the complement: SIX5 is on the minus strand). VCF-style: chr19-45766737-C-T. GRCh37 (hg19) VCF-style: chr19-46269995-C-T.
Other names: short protein forms A408T.
Identifiers: ClinVar variation 3162581 (VCV003162581.2), dbSNP rs1969083886, ClinGen allele CA406418959.

ClinVar aggregate classification (germline): Uncertain significance. Review status: criteria provided, multiple submitters, no conflicts (2 of 4 stars). 2 submissions from 2 submitters: Uncertain significance (2). Last evaluated 2025-12-03.

Submissions (2):

Labcorp Genetics (formerly Invitae), Labcorp
Classification: Uncertain significance. Last evaluated: 2025-12-03. Review status: criteria provided, single submitter. Criteria: Invitae Variant Classification Sherloc (09022015). Collection method: clinical testing. Allele origin: germline.
Comment: This sequence change replaces alanine, which is neutral and non-polar, with threonine, which is neutral and polar, at codon 408 of the SIX5 protein (p.Ala408Thr). This variant is not present in population databases (gnomAD no frequency). This variant has not been reported in the literature in individuals affected with SIX5-related conditions. ClinVar contains an entry for this variant (Variation ID: 3162581). Invitae Evidence Modeling of protein sequence and biophysical properties (such as structural, functional, and spatial information, amino acid conservation, physicochemical variation, residue mobility, and thermodynamic stability) indicates that this missense variant is not expected to disrupt SIX5 protein function with a negative predictive value of 80%. In summary, the available evidence is currently insufficient to determine the role of this variant in disease. Therefore, it has been classified as a Variant of Uncertain Significance.

Ambry Genetics
Classification: Uncertain significance. Last evaluated: 2024-01-16. Review status: criteria provided, single submitter. Criteria: Ambry Variant Classification Scheme 2023. Collection method: clinical testing. Allele origin: germline.